The following is an entry in ClinVar:

ClinVar aggregate classification (germline): Likely benign (0 of 4 stars; one submission).

Conditions:
TUBA4A-related disorder. Also called: TUBA4A-related condition.

gnomAD v4.1: 10 of 1,614,216 alleles (0.00062%); highest among the groups gnomAD compares: Admixed American, 0.0083%; no homozygotes.

Submission:

PreventionGenetics, part of Exact Sciences
Classification: Likely benign for TUBA4A-related condition. Last evaluated: 2024-04-25. Review status: no assertion criteria provided. Collection method: clinical testing. Allele origin: germline.
Comment: This variant is classified as likely benign based on ACMG/AMP sequence variant interpretation guidelines (Richards et al. 2015 PMID: 25741868, with internal and published modifications).

NM_006000.3(TUBA4A):c.588G>A (p.Glu196=)

Gene: TUBA4A (tubulin alpha 4a; minus strand). Cytogenetic location: 2q35.
Variant type: single nucleotide variant.
Coding change: c.588G>A on transcript NM_006000.3 (MANE Select); coding-DNA position 588, G replaced by A.
Protein change: p.Glu196=; no amino-acid change (glutamic acid 196 retained).
Molecular consequence: synonymous variant.
Genome position (GRCh38, 1-based): chr2:219,251,111, C>T on the plus strand (G>A on the coding strand, the complement: TUBA4A is on the minus strand). VCF-style: chr2-219251111-C-T. GRCh37 (hg19) VCF-style: chr2-220115833-C-T.
Other names: c.543G>A, p.Glu181= (NM_001278552.2).
Identifiers: ClinVar variation 3350941 (VCV003350941.1).